The following is an entry in ClinVar:

ClinVar aggregate classification (germline): Uncertain significance. Review status: criteria provided, multiple submitters, no conflicts (2 of 4 stars). 2 submissions from 2 submitters: Uncertain significance (2). Last evaluated 2025-04-06.

Conditions:
Inborn genetic diseases. Identifiers: MedGen C0950123, MeSH D030342.

Allele frequency attached by ClinVar (database versions not stated): gnomAD exomes below 0.00001.
gnomAD v4.1: 1 of 1,614,118 alleles (0.000062%); highest among the groups gnomAD compares: East Asian, 0.0022%; no homozygotes.

Submissions (2):

Ambry Genetics
Classification: Uncertain significance for Inborn genetic diseases. Last evaluated: 2025-04-06. Review status: criteria provided, single submitter. Criteria: Ambry Variant Classification Scheme 2023. Collection method: clinical testing. Allele origin: germline.
Comment: The p.H448R variant (also known as c.1343A>G), located in coding exon 5 of the MBD4 gene, results from an A to G substitution at nucleotide position 1343. The histidine at codon 448 is replaced by arginine, an amino acid with highly similar properties. This amino acid position is conserved. In addition, this alteration is predicted to be deleterious by in silico analysis. Based on the available evidence, the clinical significance of this variant remains unclear.

Labcorp Genetics (formerly Invitae), Labcorp
Classification: Uncertain significance. Last evaluated: 2023-09-03. Review status: criteria provided, single submitter. Criteria: Invitae Variant Classification Sherloc (09022015). Collection method: clinical testing. Allele origin: germline.
Comment: This sequence change replaces histidine, which is basic and polar, with arginine, which is basic and polar, at codon 454 of the MBD4 protein (p.His454Arg). This variant is present in population databases (no rsID available, gnomAD 0.006%). This variant has not been reported in the literature in individuals affected with MBD4-related conditions. An algorithm developed to predict the effect of missense changes on protein structure and function (PolyPhen-2) suggests that this variant is likely to be disruptive. In summary, the available evidence is currently insufficient to determine the role of this variant in disease. Therefore, it has been classified as a Variant of Uncertain Significance.

NM_001276270.2(MBD4):c.1343A>G (p.His448Arg)

Gene: MBD4 (methyl-CpG binding domain 4, DNA glycosylase; minus strand). Cytogenetic location: 3q21.3.
Variant type: single nucleotide variant.
Coding change: c.1343A>G on transcript NM_001276270.2 (MANE Select); coding-DNA position 1343, A replaced by G.
Protein change: p.His448Arg; replaces histidine 448 with arginine.
Molecular consequence: missense variant.
Genome position (GRCh38, 1-based): chr3:129,433,900, T>C on the plus strand (A>G on the coding strand, the complement: MBD4 is on the minus strand). VCF-style: chr3-129433900-T-C. GRCh37 (hg19) VCF-style: chr3-129152743-T-C.
Other names: c.1361A>G, p.His454Arg (NM_001276271.2, NM_001276272.2, NM_003925.3); c.407A>G, p.His136Arg (NM_001276273.2); short protein forms H448R, H136R, H454R.
Identifiers: ClinVar variation 2797119 (VCV002797119.4), dbSNP rs1261225248, ClinGen allele CA354465798.
Genomic context (GRCh38, chr3:129,433,900, plus strand): 5'-ATCCCCAAACCTGAGGTCCGATTGAGAAATATAGTAGCGATGAGAAGCTTCCATGGATCA[T>C]GAAAAAGTGTTTCTTGAACGAGATTAAAAGGTGACCGAGGAGGTGTCCATTTCTTAAAGG-3'
Protein context (NP_001263199.1, residues 438-458): PFNLVQETLF[His448Arg]DPWKLLIATI